The following is an entry in ClinVar:

NM_004369.4(COL6A3):c.-31+17T>C

Gene: COL6A3 (collagen type VI alpha 3 chain; minus strand). Cytogenetic location: 2q37.3.
Variant type: single nucleotide variant.
Coding change: c.-31+17T>C on transcript NM_004369.4 (MANE Select); 17 bases into the intron after 31 bases upstream of the start codon, T replaced by C.
Molecular consequence: intron variant.
Genome position (GRCh38, 1-based): chr2:237,413,936, A>G on the plus strand (T>C on the coding strand, the complement: COL6A3 is on the minus strand). VCF-style: chr2-237413936-A-G. GRCh37 (hg19) VCF-style: chr2-238322579-A-G.
Other names: c.-31+17T>C (NM_057166.5, NM_057167.4, NM_057164.5 and 1 more transcripts).
Identifiers: ClinVar variation 380807 (VCV000380807.6), dbSNP rs2291794, ClinGen allele CA11212360.
Genomic context (GRCh38, chr2:237,413,936, plus strand): 5'-TAGAAAGGATCACTTCAGGTTAAGAGCATTTCCTTCTAGCCCCAAACCTGGAAAAACAGA[A>G]GAGAAATCACACTTACCCCTGAGCAAACCTGAAGGCGTGTGTCCCTGGGCTCCTCGATTC-3'

ClinVar aggregate classification (germline): Benign. Review status: criteria provided, multiple submitters, no conflicts (2 of 4 stars). 4 submissions from 4 submitters: Benign (2). 2 of the submissions do not count toward it. Last evaluated 2016-01-25.

Allele frequency attached by ClinVar (database versions not stated): gnomAD exomes 0.09375; gnomAD 0.21831 and 0.22393; TOPMed 0.22673; 1000 Genomes Project 30x 0.26702; 1000 Genomes Project 0.27017.
gnomAD v4.1: 34,061 of 152,132 alleles (22%); highest among the groups gnomAD compares: Admixed American, 36%; 4,067 homozygotes.

Submissions (4):

GeneDx
Classification: Benign. Last evaluated: 2016-01-25. Review status: criteria provided, single submitter. Criteria: GeneDx Variant Classification (06012015). Collection method: clinical testing. Allele origin: germline. Affected: yes.
Comment: This variant is considered likely benign or benign based on one or more of the following criteria: it is a conservative change, it occurs at a poorly conserved position in the protein, it is predicted to be benign by multiple in silico algorithms, and/or has population frequency not consistent with disease.

Breakthrough Genomics
Classification: Benign. Review status: criteria provided, single submitter. Criteria: ACMG Guidelines, 2015. Collection method: not provided. Allele origin: germline. Inheritance: Autosomal recessive inheritance. Affected: yes.

Clinical Genetics, Academic Medical Center
Classification: Benign. Review status: no assertion criteria provided. Collection method: clinical testing. Allele origin: germline. Affected: yes. Study: VKGL Data-share Consensus. Not counted in ClinVar's aggregate classification.

Joint Genome Diagnostic Labs from Nijmegen and Maastricht, Radboudumc and MUMC+
Classification: Benign. Review status: no assertion criteria provided. Collection method: clinical testing. Allele origin: germline. Affected: yes. Study: VKGL Data-share Consensus. Not counted in ClinVar's aggregate classification.